The following is an entry in ClinVar:

ClinVar aggregate classification (germline): Likely pathogenic (1 of 4 stars; one submission).

Conditions:
Baller-Gerold syndrome (BGS). Also called: CRANIOSYNOSTOSIS WITH RADIAL DEFECTS. Identifiers: Orphanet 1225, MedGen C0265308, MONDO:0009039, OMIM 218600.

Submission:

Labcorp Genetics (formerly Invitae), Labcorp
Classification: Likely pathogenic for Baller-Gerold syndrome. Last evaluated: 2021-04-18. Review status: criteria provided, single submitter. Criteria: Invitae Variant Classification Sherloc (09022015). Collection method: clinical testing. Allele origin: germline.
Comment: In summary, the currently available evidence indicates that the variant is pathogenic, but additional data are needed to prove that conclusively. Therefore, this variant has been classified as Likely Pathogenic. This variant has not been reported in the literature in individuals with RECQL4-related conditions. This variant is not present in population databases (ExAC no frequency). This sequence change affects a donor splice site in intron 12 of the RECQL4 gene. It is expected to disrupt RNA splicing. Variants that disrupt the donor or acceptor splice site typically lead to a loss of protein function (PMID: 16199547), and loss-of-function variants in RECQL4 are known to be pathogenic (PMID: 12734318, 12952869).

Literature cited by the submitters: PubMed 16199547; PubMed 12734318; PubMed 12952869.

NM_004260.4(RECQL4):c.2058+2T>G

Gene: RECQL4 (RecQ like helicase 4; minus strand). Cytogenetic location: 8q24.3.
Variant type: single nucleotide variant.
Coding change: c.2058+2T>G on transcript NM_004260.4 (MANE Select); the canonical splice donor site of the intron after coding-DNA position 2058, T replaced by G.
Molecular consequence: splice donor variant.
Genome position (GRCh38, 1-based): chr8:144,513,926, A>C on the plus strand (T>G on the coding strand, the complement: RECQL4 is on the minus strand). VCF-style: chr8-144513926-A-C. GRCh37 (hg19) VCF-style: chr8-145739310-A-C.
Other names: c.1929+2T>G (NM_001413025.1); c.1707+2T>G (NM_001413029.1); c.921+2T>G (NM_001413032.1, NM_001413027.1, NM_001413030.1 and 1 more transcripts); c.987+2T>G (NM_001413035.1, NM_001413040.1, NM_001413021.1 and 6 more transcripts); c.1962+2T>G (NM_001413017.1, NM_001413020.1); c.2028+2T>G (NM_001413039.1); c.1926+2T>G (NM_001413033.1); c.2058+2T>G (NM_001413018.1, NM_001413036.1, NM_001413019.1); and 4 more.
Identifiers: ClinVar variation 1517326 (VCV001517326.6), dbSNP rs2130689994, ClinGen allele CA372680202.